The following is an entry in ClinVar:

NM_004972.4(JAK2):c.3059+23A>T

Genes: INSL6 (insulin like 6; minus strand), JAK2 (Janus kinase 2; plus strand). Cytogenetic location: 9p24.1.
Variant type: single nucleotide variant.
Coding change: c.3059+23A>T on transcript NM_004972.4 (MANE Select); 23 bases into the intron after coding-DNA position 3059, A replaced by T.
Molecular consequence: intron variant.
Genome position (GRCh38, 1-based): chr9:5,090,934, A>T. VCF-style: chr9-5090934-A-T. GRCh37 (hg19) VCF-style: chr9-5090934-A-T.
Other names: c.3059+23A>T (NM_001322194.2, NM_001322195.2, NM_001322196.2); c.1844+23A>T (NM_001322198.2, NM_001322199.2); c.2612+23A>T (NM_001322204.2).
Identifiers: ClinVar variation 1273822 (VCV001273822.4), dbSNP rs2274649, ClinGen allele CA4972325.
Genomic context (GRCh38, chr9:5,090,934, plus strand): 5'-TATAAAGTAAAAGAACCTGGTGAAAGTCCCATATTCTGGTGAGTATATTTCAGTATGATA[A>T]ATGAAATTTTAGAGCACAGACTTCAAACTTTATTGTTGTTATTTAATAGTTTGCCATTTC-3'

ClinVar aggregate classification (germline): Benign. Review status: criteria provided, multiple submitters, no conflicts (2 of 4 stars). 3 submissions from 3 submitters: Benign (3). Last evaluated 2024-01-24.

Allele frequency attached by ClinVar (database versions not stated): ESP Exome Variant Server 0.22638; TOPMed 0.22976; gnomAD 0.23824 and 0.24123; 1000 Genomes Project 0.24121; 1000 Genomes Project 30x 0.24282; gnomAD exomes 0.27778; ExAC 0.27976.
gnomAD v4.1: 396,722 of 1,490,512 alleles (27%); highest among the groups gnomAD compares: Admixed American, 30%; 54,825 homozygotes.

Submissions (3):

Unidad de Genómica Garrahan, Hospital de Pediatría Garrahan
Classification: Benign. Last evaluated: 2024-01-24. Review status: criteria provided, single submitter. Criteria: ACMG Guidelines, 2015. Collection method: clinical testing. Allele origin: germline. Affected: no. Observed: 36 variant alleles.
Comment: This variant is classified as Benign based on local population frequency. This variant was detected in 41% of patients studied by a panel of primary immunodeficiencies. Number of patients: 36. Only high quality variants are reported.

GeneDx
Classification: Benign. Last evaluated: 2018-11-12. Review status: criteria provided, single submitter. Criteria: GeneDx Variant Classification Process June 2021. Collection method: clinical testing. Allele origin: germline. Affected: yes.

Breakthrough Genomics
Classification: Benign. Review status: criteria provided, single submitter. Criteria: ACMG Guidelines, 2015. Collection method: not provided. Allele origin: germline. Inheritance: Autosomal dominant inheritance. Affected: yes.